The following is an entry in ClinVar:

ClinVar aggregate classification (germline): Uncertain significance (1 of 4 stars; one submission).

Conditions:
Charcot-Marie-Tooth disease type 4. Also called: Charcot-Marie-Tooth, Type 4; Charcot-Marie-Tooth disease, type IV. Identifiers: Orphanet 64749, MedGen C4082197, MONDO:0018995.

Allele frequency attached by ClinVar (database versions not stated): gnomAD exomes 0.00001 and 0.00002; TOPMed 0.00002; ExAC 0.00003; gnomAD 0.00003.

Submission:

Labcorp Genetics (formerly Invitae), Labcorp
Classification: Uncertain significance for Charcot-Marie-Tooth disease type 4. Last evaluated: 2022-09-01. Review status: criteria provided, single submitter. Criteria: Invitae Variant Classification Sherloc (09022015). Collection method: clinical testing. Allele origin: germline.
Comment: This sequence change replaces arginine, which is basic and polar, with cysteine, which is neutral and slightly polar, at codon 26 of the FGD4 protein (p.Arg26Cys). This variant is present in population databases (rs758603361, gnomAD 0.004%). This variant has not been reported in the literature in individuals affected with FGD4-related conditions. ClinVar contains an entry for this variant (Variation ID: 641291). Algorithms developed to predict the effect of missense changes on protein structure and function are either unavailable or do not agree on the potential impact of this missense change (SIFT: "Deleterious"; PolyPhen-2: "Not Available"; Align-GVGD: "Class C0"). Algorithms developed to predict the effect of sequence changes on RNA splicing suggest that this variant may create or strengthen a splice site. In summary, the available evidence is currently insufficient to determine the role of this variant in disease. Therefore, it has been classified as a Variant of Uncertain Significance.

NM_001370298.3(FGD4):c.487C>T (p.Arg163Cys)

Gene: FGD4 (FYVE, RhoGEF and PH domain containing 4; plus strand). Cytogenetic location: 12p11.21.
Variant type: single nucleotide variant.
Coding change: c.487C>T on transcript NM_001370298.3 (MANE Select); coding-DNA position 487, C replaced by T.
Protein change: p.Arg163Cys; replaces arginine 163 with cysteine.
Molecular consequence: missense variant. On other transcripts: 5 prime UTR variant (2), intron variant (4).
Genome position (GRCh38, 1-based): chr12:32,576,433, C>T. VCF-style: chr12-32576433-C-T. GRCh37 (hg19) VCF-style: chr12-32729367-C-T.
Other names: c.331C>T, p.Arg111Cys (NM_001304481.2); c.-769C>T (NM_001304483.2); c.-1076C>T (NM_001304484.2); c.487C>T, p.Arg163Cys (NM_001384126.1); c.76C>T, p.Arg26Cys (NM_001384127.1, NM_001384128.1, NM_001384131.1 and 3 more transcripts); c.-187-5527C>T (NM_001330374.2, NM_001330373.2, NM_001384130.1); c.48+12144C>T (NM_001370297.1); short protein forms R111C, R26C, R163C.
Identifiers: ClinVar variation 641291 (VCV000641291.8), dbSNP rs758603361, ClinGen allele CA6506566.